The following is an entry in ClinVar:

ClinVar aggregate classification (germline): Conflicting classifications of pathogenicity. Review status: criteria provided, conflicting classifications (1 of 4 stars). 4 submissions from 4 submitters: Likely pathogenic (3); Uncertain significance (1). Last evaluated 2025-12-25.

Conditions:
COL4A4-related disorder.
Alport syndrome. Also called: Hemorrhagic familial nephritis; Hemorrhagic hereditary nephritis; Congenital hereditary hematuria. Identifiers: Orphanet 63, MedGen C1567741, MONDO:0018965.

Allele frequency attached by ClinVar (database versions not stated): gnomAD 0.00001; gnomAD exomes 0.00001; TOPMed 0.00001.
gnomAD v4.1: 15 of 1,614,038 alleles (0.00093%); highest among the groups gnomAD compares: Non-Finnish European, 0.0012%; no homozygotes.

Submissions (4):

Labcorp Genetics (formerly Invitae), Labcorp
Classification: Likely pathogenic. Last evaluated: 2025-12-25. Review status: criteria provided, single submitter. Criteria: Invitae Variant Classification Sherloc (09022015). Collection method: clinical testing. Allele origin: germline.
Comment: This sequence change replaces glycine, which is neutral and non-polar, with arginine, which is basic and polar, at codon 783 of the COL4A4 protein (p.Gly783Arg). This variant is not present in population databases (gnomAD no frequency). This missense change has been observed in individuals with autosomal dominant Alport syndrome (PMID: 35090027, 40806767). ClinVar contains an entry for this variant (Variation ID: 252464). Invitae Evidence Modeling of protein sequence and biophysical properties (such as structural, functional, and spatial information, amino acid conservation, physicochemical variation, residue mobility, and thermodynamic stability) indicates that this missense variant is expected to disrupt COL4A4 protein function with a positive predictive value of 95%. In summary, the currently available evidence indicates that the variant is pathogenic, but additional data are needed to prove that conclusively. Therefore, this variant has been classified as Likely Pathogenic.

Natera, Inc.
Classification: Likely pathogenic for Alport syndrome. Last evaluated: 2025-08-21. Review status: criteria provided, single submitter. Criteria: Natera Variant Classification Schema (03/2026). Collection method: clinical testing. Allele origin: germline.
Comment: The c.2347G>A variant in COL4A4 is a missense variant predicted to cause substitution of glycine to arginine at amino acid 783. This variant is rare in the general population with a frequency below the threshold expected for the associated phenotype(s). This variant has been observed in affected individual(s) with monoallelic occurrence (heterozygous/hemizygous) (PMID: 40806767). Additionally, this variant has been observed to segregate in affected family members (PMID: 40806767). This variant is located in a functionally critical region of the protein. Computational prediction algorithms indicate this variant is likely to affect gene or protein function. Given the available evidence, this variant is classified as Likely Pathogenic.

Blueprint Genetics
Classification: Likely pathogenic for COL4A4-related disorders. Last evaluated: 2024-11-06. Review status: criteria provided, single submitter. Criteria: ACMG Guidelines, 2015. Collection method: clinical testing. Allele origin: germline. Affected: yes. Observed: 3 variant alleles.

Genomic Diagnostic Laboratory, Division of Genomic Diagnostics, Children's Hospital of Philadelphia
Classification: Uncertain significance. Last evaluated: 2015-08-24. Review status: criteria provided, single submitter. Criteria: DGD Variant Analysis Guidelines. Collection method: clinical testing. Allele origin: unknown.

Literature cited by the submitters: PubMed 35090027 (cited by Labcorp Genetics (formerly Invitae), Labcorp); PubMed 40806767 (cited by Labcorp Genetics (formerly Invitae), Labcorp and Natera, Inc.).

NM_000092.5(COL4A4):c.2347G>A (p.Gly783Arg)

Gene: COL4A4 (collagen type IV alpha 4 chain; minus strand). Cytogenetic location: 2q36.3.
Variant type: single nucleotide variant.
Coding change: c.2347G>A on transcript NM_000092.5 (MANE Select); coding-DNA position 2347, G replaced by A.
Protein change: p.Gly783Arg; replaces glycine 783 with arginine.
Molecular consequence: missense variant.
Genome position (GRCh38, 1-based): chr2:227,059,441, C>T on the plus strand (G>A on the coding strand, the complement: COL4A4 is on the minus strand). VCF-style: chr2-227059441-C-T. GRCh37 (hg19) VCF-style: chr2-227924157-C-T.
Other names: short protein forms G783R.
Identifiers: ClinVar variation 252464 (VCV000252464.5), dbSNP rs879255339, ClinGen allele CA10585967.
Genomic context (GRCh38, chr2:227,059,441, plus strand): 5'-AAAAGGACAGCAAAGCCCTCATACCTTCAGCCCCTGGACATCCCGGATCACCTCTGGGTC[C>T]TTTTATCCCTGGCACTCCTGAAAGACCCCTCTTTCCCGGGGGTCCCAGGTGACCAAATGC-3'
Protein context (NP_000083.3, residues 773-793): RGLSGVPGIK[Gly783Arg]PRGDPGCPGA